The following is an entry in ClinVar:

ClinVar aggregate classification (germline): Benign/Likely benign. Review status: criteria provided, multiple submitters, no conflicts (2 of 4 stars). 4 submissions from 3 submitters: Benign (1); Likely benign (2). 1 of the submissions does not count toward it. Last evaluated 2026-09-01.

Submissions (4):

CeGaT Center for Human Genetics Tuebingen
Classification: Benign. Last evaluated: 2026-09-01. Review status: criteria provided, single submitter. Criteria: CeGaT Center For Human Genetics Tuebingen Variant Classification Criteria Version 2. Collection method: clinical testing. Allele origin: germline. Affected: yes. Observed: 88 variant alleles.
Comment: WWOX: BS1, BS2

Mendelics
Classification: Likely benign. Last evaluated: 2022-05-04. Review status: criteria provided, single submitter. Criteria: Mendelics Assertion Criteria 2019. Collection method: clinical testing. Allele origin: germline.

GeneDx
Classification: Likely benign. Last evaluated: 2020-05-29. Review status: criteria provided, single submitter. Criteria: GeneDx Variant Classification Process June 2021. Collection method: clinical testing. Allele origin: germline. Affected: yes.

GeneDx
Classification: Uncertain significance. Last evaluated: 2017-07-21. Review status: flagged submission. Criteria: GeneDx Variant Classification (06012015). Collection method: clinical testing. Allele origin: germline. Affected: yes. Not counted in ClinVar's aggregate classification.
Comment: The c.*205_*209delGGGCT variant, located in the 3 prime untranslated region of the WWOX gene, has not been reported previously as a pathogenic variant nor as a benign variant, to our knowledge. In-silico splice prediction models predict that c.*205_*209delGGGCT does not impact splicing. However, in the absence of RNA/functional studies, the actual effect of the c.*205_*209delGGGCT change in this individual is unknown. The c.*205_*209delGGGCT variant occurs at a region that is not conserved among species. No data are available from control populations to assess the frequency of this variant. We interpret c.*205_*209delGGGCT as a variant of uncertain significance.
ClinVar note: Reason: This record appears to be redundant with a more recent record from the same submitter.
ClinVar note: Notes: SCV000617174 appears to be redundant with SCV001817331.

NM_016373.4(WWOX):c.*200GGGCT[1]

Genes: MAF (MAF bZIP transcription factor; minus strand), WWOX (WW domain containing oxidoreductase; plus strand). Cytogenetic location: 16q23.2.
Variant type: Microsatellite.
Coding change: c.*200GGGCT[1] on transcript NM_016373.4 (MANE Select); one copy of the 5-base unit GGGCT starting at c.*200; the reference has two copies in a row; one copy, 5 bases deleted.
Molecular consequence: 3 prime UTR variant.
Genome position (GRCh38, 1-based): chr16:79,212,001-79,212,005, GGGCT deleted; deleting any 5 consecutive bases within chr16:79,211,996-79,212,005 gives the same sequence; the position shown is the placement nearest the transcript's 3' end. VCF-style (leftmost placement, unchanged base first): chr16-79211995-GGGGCT-G. GRCh37 (hg19) VCF-style: chr16-79245892-GGGGCT-G.
Other names: c.*200GGGCT[1] (NM_001291997.2).
Identifiers: ClinVar variation 449268 (VCV000449268.33), dbSNP rs144412859, ClinGen allele CA8183884.